The following is an entry in ClinVar:

NM_152328.5(ADSS1):c.1079C>T (p.Ala360Val)

Gene: ADSS1 (adenylosuccinate synthase 1; plus strand). Cytogenetic location: 14q32.33.
Variant type: single nucleotide variant.
Coding change: c.1079C>T on transcript NM_152328.5 (MANE Select); coding-DNA position 1079, C replaced by T.
Protein change: p.Ala360Val; replaces alanine 360 with valine.
Molecular consequence: missense variant.
Genome position (GRCh38, 1-based): chr14:104,744,817, C>T. VCF-style: chr14-104744817-C-T. GRCh37 (hg19) VCF-style: chr14-105211154-C-T.
Other names: c.464C>T, p.Ala155Val (NM_001320424.1); c.1208C>T, p.Ala403Val (NM_199165.2); short protein forms A155V, A360V, A403V.
Identifiers: ClinVar variation 1911989 (VCV001911989.2), dbSNP rs369513600, ClinGen allele CA7374029.

ClinVar aggregate classification (germline): Uncertain significance (1 of 4 stars; one submission).

Allele frequency attached by ClinVar (database versions not stated): gnomAD exomes below 0.00001; TOPMed below 0.00001; ExAC 0.00001; gnomAD 0.00001; ESP Exome Variant Server 0.00008.
gnomAD v4.1: 2 of 1,614,018 alleles (0.00012%); highest among the groups gnomAD compares: African/African-American, 0.0013%; no homozygotes.

Submission:

Labcorp Genetics (formerly Invitae), Labcorp
Classification: Uncertain significance. Last evaluated: 2022-05-03. Review status: criteria provided, single submitter. Criteria: Invitae Variant Classification Sherloc (09022015). Collection method: clinical testing. Allele origin: germline.
Comment: This sequence change replaces alanine, which is neutral and non-polar, with valine, which is neutral and non-polar, at codon 403 of the ADSSL1 protein (p.Ala403Val). This variant is present in population databases (rs369513600, gnomAD 0.008%). This variant has not been reported in the literature in individuals affected with ADSSL1-related conditions. Algorithms developed to predict the effect of missense changes on protein structure and function are either unavailable or do not agree on the potential impact of this missense change (SIFT: "Not Available"; PolyPhen-2: "Probably Damaging"; Align-GVGD: "Not Available"). In summary, the available evidence is currently insufficient to determine the role of this variant in disease. Therefore, it has been classified as a Variant of Uncertain Significance.